The following is an entry in ClinVar:

NM_153700.2(STRC):c.5152C>T (p.Pro1718Ser)

Gene: STRC (stereocilin; minus strand). Cytogenetic location: 15q15.3.
Variant type: single nucleotide variant.
Coding change: c.5152C>T on transcript NM_153700.2 (MANE Select); coding-DNA position 5152, C replaced by T.
Protein change: p.Pro1718Ser; replaces proline 1718 with serine.
Molecular consequence: missense variant.
Genome position (GRCh38, 1-based): chr15:43,600,047, G>A on the plus strand (C>T on the coding strand, the complement: STRC is on the minus strand). VCF-style: chr15-43600047-G-A. GRCh37 (hg19) VCF-style: chr15-43892245-G-A.
Other names: short protein forms P1718S.
Identifiers: ClinVar variation 2360670 (VCV002360670.5), dbSNP rs368600593, ClinGen allele CA7527796.
Genomic context (GRCh38, chr15:43,600,047, plus strand): 5'-CATGTTGGGCCCATGCAACTGCTCGTCGCTGCTCAGGACTCAGAAAGGCCATTTGCTCAG[G>A]AGTGACAGCCACAGCCTGAGCACTGGTGAGACTAGATAGTTGGATGGGACTAAACACCAC-3'
Protein context (NP_714544.1, residues 1708-1728): LTSAQAVAVT[Pro1718Ser]EQMAFLSPEQ

ClinVar aggregate classification (germline): Uncertain significance. Review status: criteria provided, multiple submitters, no conflicts (2 of 4 stars). 3 submissions from 3 submitters: Uncertain significance (3). Last evaluated 2026-04-06.

Conditions:
Inborn genetic diseases. Identifiers: MedGen C0950123, MeSH D030342.
STRC-related disorder. Also called: STRC-related condition.

Allele frequency attached by ClinVar (database versions not stated): ExAC 0.00003; TOPMed 0.00006; gnomAD 0.00007; ESP Exome Variant Server 0.00008; gnomAD exomes 0.00015.
gnomAD v4.1: 228 of 1,612,354 alleles (0.014%); highest among the groups gnomAD compares: Non-Finnish European, 0.019%; 3 homozygotes.

Submissions (3):

PreventionGenetics, part of Exact Sciences
Classification: Uncertain significance for STRC-related condition. Last evaluated: 2026-04-06. Review status: criteria provided, single submitter. Criteria: ACMG Guidelines, 2015. Collection method: clinical testing. Allele origin: germline.
Comment: The STRC c.5152C>T variant is predicted to result in the amino acid substitution p.Pro1718Ser. To our knowledge, this variant has not been reported in the literature. This variant is reported in 0.011% of alleles in individuals of European (Non-Finnish) descent in gnomAD. At this time, the clinical significance of this variant is uncertain due to the absence of conclusive functional and genetic evidence.

Ambry Genetics
Classification: Uncertain significance for Inborn genetic diseases. Last evaluated: 2025-01-08. Review status: criteria provided, single submitter. Criteria: Ambry Variant Classification Scheme 2023. Collection method: clinical testing. Allele origin: germline.

Blueprint Genetics
Classification: Uncertain significance. Last evaluated: 2024-11-25. Review status: criteria provided, single submitter. Criteria: ACMG Guidelines, 2015. Collection method: clinical testing. Allele origin: germline.